The following is an entry in ClinVar:

NM_005475.3(SH2B3):c.37T>C (p.Ser13Pro)

Gene: SH2B3 (SH2B adaptor protein 3; plus strand). Cytogenetic location: 12q24.12.
Variant type: single nucleotide variant.
Coding change: c.37T>C on transcript NM_005475.3 (MANE Select); coding-DNA position 37, T replaced by C.
Protein change: p.Ser13Pro; replaces serine 13 with proline.
Molecular consequence: missense variant.
Genome position (GRCh38, 1-based): chr12:111,418,182, T>C. VCF-style: chr12-111418182-T-C. GRCh37 (hg19) VCF-style: chr12-111855986-T-C.
Other names: short protein forms S13P.
Identifiers: ClinVar variation 3795237 (VCV003795237.1).

ClinVar aggregate classification (germline): Uncertain significance (1 of 4 stars; one submission).

Conditions:
Inborn genetic diseases. Identifiers: MedGen C0950123, MeSH D030342.

gnomAD v4.1: 5 of 1,562,824 alleles (0.00032%); highest among the groups gnomAD compares: Non-Finnish European, 0.00043%; no homozygotes.

Submission:

Ambry Genetics
Classification: Uncertain significance for Inborn genetic diseases. Last evaluated: 2025-03-07. Review status: criteria provided, single submitter. Criteria: Ambry Variant Classification Scheme 2023. Collection method: clinical testing. Allele origin: germline.
Comment: The p.S13P variant (also known as c.37T>C), located in coding exon 1 of the SH2B3 gene, results from a T to C substitution at nucleotide position 37. The serine at codon 13 is replaced by proline, an amino acid with similar properties. This amino acid position is conserved. In addition, this alteration is predicted to be tolerated by in silico analysis. Based on the available evidence, the clinical significance of this variant remains unclear.